The following is an entry in ClinVar:

ClinVar aggregate classification (germline): Uncertain significance. Review status: criteria provided, multiple submitters, no conflicts (2 of 4 stars). 2 submissions from 2 submitters: Uncertain significance (2). Last evaluated 2022-05-19.

Allele frequency attached by ClinVar (database versions not stated): ExAC 0.00001; gnomAD exomes 0.00001; TOPMed 0.00002; gnomAD 0.00003.
gnomAD v4.1: 24 of 1,591,956 alleles (0.0015%); highest among the groups gnomAD compares: Non-Finnish European, 0.0019%; no homozygotes.

Submissions (2):

Labcorp Genetics (formerly Invitae), Labcorp
Classification: Uncertain significance. Last evaluated: 2022-05-19. Review status: criteria provided, single submitter. Criteria: Invitae Variant Classification Sherloc (09022015). Collection method: clinical testing. Allele origin: germline.
Comment: This sequence change replaces proline, which is neutral and non-polar, with arginine, which is basic and polar, at codon 78 of the CERKL protein (p.Pro78Arg). This variant is present in population databases (rs775413999, gnomAD 0.003%). This variant has not been reported in the literature in individuals affected with CERKL-related conditions. ClinVar contains an entry for this variant (Variation ID: 942193). Algorithms developed to predict the effect of missense changes on protein structure and function (SIFT, PolyPhen-2, Align-GVGD) all suggest that this variant is likely to be tolerated. In summary, the available evidence is currently insufficient to determine the role of this variant in disease. Therefore, it has been classified as a Variant of Uncertain Significance.

Blueprint Genetics
Classification: Uncertain significance. Last evaluated: 2022-01-11. Review status: criteria provided, single submitter. Criteria: ACMG Guidelines, 2015. Collection method: clinical testing. Allele origin: germline.

NM_201548.5(CERKL):c.233C>G (p.Pro78Arg)

Genes: CERKL (CERK like autophagy regulator; minus strand), LOC129935214 (ATAC-STARR-seq lymphoblastoid silent region 12157; plus strand). Cytogenetic location: 2q31.3.
Variant type: single nucleotide variant.
Coding change: c.233C>G on transcript NM_201548.5 (MANE Select); coding-DNA position 233, C replaced by G.
Protein change: p.Pro78Arg; replaces proline 78 with arginine.
Molecular consequence: missense variant. On other transcripts: non-coding transcript variant (2).
Genome position (GRCh38, 1-based): chr2:181,656,774, G>C on the plus strand (C>G on the coding strand, the complement: CERKL is on the minus strand). VCF-style: chr2-181656774-G-C. GRCh37 (hg19) VCF-style: chr2-182521501-G-C.
Other names: c.233C>G, p.Pro78Arg (NM_001030311.3, NM_001030312.3, NM_001030313.3 and 1 more transcripts); short protein forms P78R.
Identifiers: ClinVar variation 942193 (VCV000942193.8), dbSNP rs775413999, ClinGen allele CA2010915.